The following is an entry in ClinVar:

ClinVar aggregate classification (germline): Pathogenic. Review status: reviewed by expert panel (3 of 4 stars). 5 submissions from 5 submitters: Pathogenic (1). 4 of the submissions do not count toward it. Last evaluated 2020-06-25.

Conditions:
RASopathy. Also called: Noonan spectrum disorder; rasopathies. Identifiers: Orphanet 536391, MedGen C5555857, MONDO:0021060.
Noonan syndrome 5 (NS5). Also called: RAF1-Related Noonan Syndrome. Identifiers: Orphanet 648, MedGen C1969057, MONDO:0012690, OMIM 611553. Disease mechanism: gain of function.

Submissions (5):

ClinGen RASopathy Variant Curation Expert Panel
Classification: Pathogenic for RASopathy. Last evaluated: 2020-06-25. Review status: reviewed by expert panel. Criteria: ClinGen RASopathy ACMG Specifications v1. Collection method: curation. Allele origin: germline. Inheritance: Autosomal dominant inheritance.
Comment: The c.775T>G (p.Ser259Ala) variant in RAF1 was absent from large population studies (PM2; gnomAD). It has been reported as a confirmed de novo occurrence in 2 probands (PS2_VeryStrong; SCV000808501.1). The variant has been identified in 1 proband with Noonan syndrome (PS4_Supporting; SCV000710868.2). At least 2 other pathogenic missense variants have been previously identified at the Ser259 codon of RAF1 which may indicate that this residue is critical to the function of the protein (PM5_Strong; ClinVar 40601, 44633). A functional assay has been performed on c.775T>G (p.Ser259Ala), but given that it is not currently an approved assay outlined by the RASopathy VCEP, it has not been assessed for PS3 at this time (PMID:23391722). Finally, the variant is located in RAF1, which has been defined by the ClinGen RASopathy Expert Panel as a gene with a low rate of benign missense variants and pathogenic missense variants are common (PP2; PMID: 29493581). Of note, this variant has also been observed in association with somatic malignancies; however, analysis and classification of somatic variation is currently not used to inform germline classifications for the RASopathies. In summary, this variant meets criteria to be classified as pathogenic for RASopathies in an autosomal dominant manner. Rasopathy-specific ACMG/AMP criteria applied (PMID:29493581): PS2_VeryStrong, PS4_Supporting, PM5_Strong, PM2, PP2.

ARUP Laboratories, Molecular Genetics and Genomics, ARUP Laboratories
Classification: Pathogenic. Last evaluated: 2022-04-29. Review status: criteria provided, single submitter. Criteria: ARUP Molecular Germline Variant Investigation Process 2021. Collection method: clinical testing. Allele origin: germline. Not counted in ClinVar's aggregate classification.
Comment: The RAF1 c.775T>G; p.Ser259Ala variant (rs3730271), to our knowledge, is not reported in the literature but is reported as pathogenic by an FDA recognized database in ClinVar (Variation ID: 504514). This variant is also absent from the Genome Aggregation Database, indicating it is not a common polymorphism. The serine at codon 259 is highly conserved and occurs in the 14-3-3 binding site, but computational analyses are uncertain whether this variant is neutral or deleterious (REVEL: 0.601). However, functional studies of the variant in a mouse model show an increased ERK activation and increased production of lymphatic endothelial cells (Deng Blood 2013, Deng J Clin Invest 2013). Additionally, several other missense variants at this codon (p.Ser257Pro, p.Ser259Phe, p.Ser259Thr, p.Ser259Tyr) have been reported in individuals with Noonan syndrome (Croonen 2013, Hakami 2016, Ko 2008, Pandit 2007). Based on available information, this variant is classified as pathogenic. References: Croonen EA et al. Prenatal diagnostic testing of the Noonan syndrome genes in fetuses with abnormal ultrasound findings. Eur J Hum Genet. 2013 Sep;21(9):936-42. PMID: 23321623. Deng Y et al. Endothelial RAF1/ERK activation regulates arterial morphogenesis. Blood. 2013 May 9;121(19):3988-96, S1-9. PMID: 23529931. Deng Y et al. Endothelial ERK signaling controls lymphatic fate specification. J Clin Invest. 2013 Mar;123(3):1202-15. PMID: 23391722. Hakami F et al. Retrospective study of prenatal ultrasound findings in newborns with a Noonan spectrum disorder. Prenat Diagn. 2016 May;36(5):418-23. PMID: 26918529. Ko JM et al. PTPN11, SOS1, KRAS, and RAF1 gene analysis, and genotype-phenotype correlation in Korean patients with Noonan syndrome. J Hum Genet. 2008;53(11-12):999-1006. PMID: 19020799. Pandit B et al. Gain-of-function RAF1 mutations cause Noonan and LEOPARD syndromes with hypertrophic cardiomyopathy. Nat Genet. 2007 Aug;39(8):1007-12. PMID: 17603483.

Department of Maternal-Fetal Biology, National Research Institute for Child Health and Development
Classification: Likely pathogenic for Noonan syndrome 5. Last evaluated: 2022-01-01. Review status: criteria provided, single submitter. Criteria: ACMG Guidelines, 2015. Collection method: research. Allele origin: de novo. Affected: yes. Observed: 1 variant allele. Not counted in ClinVar's aggregate classification.

GeneDx
Classification: Pathogenic. Last evaluated: 2017-11-06. Review status: criteria provided, single submitter. Criteria: GeneDx Variant Classification (06012015). Collection method: clinical testing. Allele origin: germline. Affected: yes. Not counted in ClinVar's aggregate classification.
Comment: The S259A variant in the RAF1 gene has not been reported previously as a germline pathogenic variant nor as a benign variant, to our knowledge. However, variants at the same residue (S259P, S259T, S259F) have been reported in individuals with Noonan syndrome, or prenatal findings suggestive of Noonan syndrome (Pandit et al., 2007; Ko JM et al., 2008; Croonen et al., 2013). In addition, missense variants in nearby residues (S257L, T260R, P261S, etc.) have been reported in the Human Gene Mutation Database in association with Noonan syndrome (Stenson et al., 2014), supporting the functional importance of this region of the protein. The S259A variant is not observed in large population cohorts (Lek et al., 2016). The S259A variant is a non-conservative amino acid substitution, which is likely to impact secondary protein structure as these residues differ in polarity, charge, size and/or other properties. In-silico analyses, including protein predictors and evolutionary conservation, support a deleterious effect. Also, it has been shown that expression of S259A leads to ERK activation, and induces SOX18 and PROX1 expression. This leads to increased commitment of venous endothelial cells to the lymphatic fate, resulting in excessive production of lymphatic endothelial cells and lymphanogiectasia in mice (Deng et al., 2013; Pandit et al., 2007). We interpret S259A as a pathogenic variant.

Laboratory for Molecular Medicine, Mass General Brigham Personalized Medicine
Classification: Uncertain significance. Last evaluated: 2016-04-26. Review status: criteria provided, single submitter. Criteria: LMM Criteria. Collection method: clinical testing. Allele origin: germline. Observed: 1 variant allele. Not counted in ClinVar's aggregate classification.
Comment: Variant classified as Uncertain Significance - Favor Pathogenic. The p.Ser259Ala variant in RAF1 has not been previously reported in individuals with clinical f eatures of Noonan syndrome or in large population studies. However, different di sease-causing amino acid changes at this location (p.Ser259Pro, p.Ser259Phe, p.S er259Thr) have been previously associated with Noonan spectrum disorders, sugges ting a change at this position may not be tolerated (Pandit 2007, Kobayashi 2009 , LMM unpublished data). In vitro functional studies provide some evidence that the p.Ser259Ala variant may impact protein function (Deng 2013a, Deng 2013b). Ho wever, these types of assays may not accurately represent biological function. C omputational prediction tools and conservation analysis do not provide strong su pport for or against an impact to the protein. In summary, while there is some s uspicion for a pathogenic role, the clinical significance of the p.Ser259Ala var iant is uncertain.

Literature cited by the submitters: PubMed 23391722 (cited by Laboratory for Molecular Medicine, Mass General Brigham Personalized Medicine); PubMed 17603483 (cited by Laboratory for Molecular Medicine, Mass General Brigham Personalized Medicine); PubMed 20052757 (cited by Laboratory for Molecular Medicine, Mass General Brigham Personalized Medicine); PubMed 23529931 (cited by Laboratory for Molecular Medicine, Mass General Brigham Personalized Medicine).

NM_002880.4(RAF1):c.775T>G (p.Ser259Ala)

Gene: RAF1 (Raf-1 proto-oncogene, serine/threonine kinase; minus strand). Cytogenetic location: 3p25.2.
Variant type: single nucleotide variant.
Coding change: c.775T>G on transcript NM_002880.4 (MANE Select); coding-DNA position 775, T replaced by G.
Protein change: p.Ser259Ala; replaces serine 259 with alanine.
Molecular consequence: missense variant. On other transcripts: non-coding transcript variant (3).
Genome position (GRCh38, 1-based): chr3:12,604,195, A>C on the plus strand (T>G on the coding strand, the complement: RAF1 is on the minus strand). VCF-style: chr3-12604195-A-C. GRCh37 (hg19) VCF-style: chr3-12645694-A-C.
Other names: c.775T>G (NM_001354689.3); c.775T>G, p.Ser259Ala (NM_001354689.3, NM_001354690.3); c.532T>G, p.Ser178Ala (NM_001354691.3, NM_001354692.3, NM_001354694.3); c.676T>G, p.Ser226Ala (NM_001354693.3); c.433T>G, p.Ser145Ala (NM_001354695.3); short protein forms S259A, S226A, S178A, S145A.
Identifiers: ClinVar variation 504514 (VCV000504514.10), dbSNP rs3730271, ClinGen allele CA351512423.